The following is an entry in ClinVar:

NM_004863.4(SPTLC2):c.565C>A (p.Gln189Lys)

Gene: SPTLC2 (serine palmitoyltransferase long chain base subunit 2; minus strand). Cytogenetic location: 14q24.3.
Variant type: single nucleotide variant.
Coding change: c.565C>A on transcript NM_004863.4 (MANE Select); coding-DNA position 565, C replaced by A.
Protein change: p.Gln189Lys; replaces glutamine 189 with lysine.
Molecular consequence: missense variant.
Genome position (GRCh38, 1-based): chr14:77,576,833, G>T on the plus strand (C>A on the coding strand, the complement: SPTLC2 is on the minus strand). VCF-style: chr14-77576833-G-T. GRCh37 (hg19) VCF-style: chr14-78043176-G-T.
Other names: short protein forms Q189K.
Identifiers: ClinVar variation 566222 (VCV000566222.9), dbSNP rs1216165779, ClinGen allele CA390699337.

ClinVar aggregate classification (germline): Uncertain significance (1 of 4 stars; one submission).

Conditions:
Neuropathy, hereditary sensory and autonomic, type 1C. Also called: HSAN IC; HSN IC. Identifiers: Orphanet 36386, MedGen C3150896, MONDO:0013337, OMIM 613640.

Allele frequency attached by ClinVar (database versions not stated): gnomAD exomes below 0.00001 and 0.00001; TOPMed 0.00002.
gnomAD v4.1: 4 of 1,614,180 alleles (0.00025%); highest among the groups gnomAD compares: South Asian, 0.0033%; no homozygotes.

Submission:

Labcorp Genetics (formerly Invitae), Labcorp
Classification: Uncertain significance for Neuropathy, hereditary sensory and autonomic, type 1C. Last evaluated: 2018-07-09. Review status: criteria provided, single submitter. Criteria: Invitae Variant Classification Sherloc (09022015). Collection method: clinical testing. Allele origin: germline.
Comment: This sequence change replaces glutamine with lysine at codon 189 of the SPTLC2 protein (p.Gln189Lys). The glutamine residue is weakly conserved and there is a small physicochemical difference between glutamine and lysine. This variant is not present in population databases (ExAC no frequency). This variant has not been reported in the literature in individuals with SPTLC2-related disease. Algorithms developed to predict the effect of missense changes on protein structure and function output the following: SIFT: "Tolerated"; PolyPhen-2: "Benign"; Align-GVGD: "Class C0". The lysine amino acid residue is found in multiple mammalian species, suggesting that this missense change does not adversely affect protein function. These predictions have not been confirmed by published functional studies and their clinical significance is uncertain. In summary, the available evidence is currently insufficient to determine the role of this variant in disease. Therefore, it has been classified as a Variant of Uncertain Significance.